The following is an entry in ClinVar:

ClinVar aggregate classification (germline): Uncertain significance (1 of 4 stars; one submission).

Conditions:
KMT2D-related disorder. Also called: KMT2D-Related Disorders.

Submission:

PreventionGenetics, part of Exact Sciences
Classification: Uncertain significance for KMT2D-related condition. Last evaluated: 2025-01-06. Review status: criteria provided, single submitter. Criteria: ACMG Guidelines, 2015. Collection method: clinical testing. Allele origin: germline.
Comment: The KMT2D c.13313A>G variant is predicted to result in the amino acid substitution p.Glu4438Gly. To our knowledge, this variant has not been reported in the literature or in a large population database (gnomAD), indicating this variant is rare. At this time, the clinical significance of this variant is uncertain due to the absence of conclusive functional and genetic evidence.

NM_003482.4(KMT2D):c.13313A>G (p.Glu4438Gly)

Gene: KMT2D (lysine methyltransferase 2D; minus strand). Cytogenetic location: 12q13.12.
Variant type: single nucleotide variant.
Coding change: c.13313A>G on transcript NM_003482.4 (MANE Select); coding-DNA position 13313, A replaced by G.
Protein change: p.Glu4438Gly; replaces glutamic acid 4438 with glycine.
Molecular consequence: missense variant.
Genome position (GRCh38, 1-based): chr12:49,031,392, T>C on the plus strand (A>G on the coding strand, the complement: KMT2D is on the minus strand). VCF-style: chr12-49031392-T-C. GRCh37 (hg19) VCF-style: chr12-49425175-T-C.
Other names: short protein forms E4438G.
Identifiers: ClinVar variation 4997682 (VCV004997682.1).